The following is an entry in ClinVar:

NM_000321.3(RB1):c.1453T>C (p.Ser485Pro)

Gene: RB1 (RB transcriptional corepressor 1; plus strand). Cytogenetic location: 13q14.2.
Variant type: single nucleotide variant.
Coding change: c.1453T>C on transcript NM_000321.3 (MANE Select); coding-DNA position 1453, T replaced by C.
Protein change: p.Ser485Pro; replaces serine 485 with proline.
Molecular consequence: missense variant.
Genome position (GRCh38, 1-based): chr13:48,380,196, T>C. VCF-style: chr13-48380196-T-C. GRCh37 (hg19) VCF-style: chr13-48954332-T-C.
Other names: short protein forms S485P.
Identifiers: ClinVar variation 849404 (VCV000849404.11), dbSNP rs1948522903, ClinGen allele CA388162833.

ClinVar aggregate classification (germline): Uncertain significance. Review status: criteria provided, multiple submitters, no conflicts (2 of 4 stars). 3 submissions from 3 submitters: Uncertain significance (3). Last evaluated 2024-05-25.

Conditions:
Retinoblastoma (RB1). Also called: RETINOBLASTOMA, SOMATIC. Identifiers: Orphanet 790, MedGen C0035335, MeSH D012175, MONDO:0008380, OMIM 180200, HP:0009919. Disease mechanism: loss of function. Inheritance: Both sporadic and heritable forms are tested..
Hereditary cancer-predisposing syndrome. Also called: Tumor predisposition; Neoplastic Syndromes, Hereditary; Hereditary neoplastic syndrome; Hereditary Cancer Syndrome. Identifiers: Orphanet 140162, MedGen C0027672, MeSH D009386, MONDO:0015356.

Allele frequency attached by ClinVar (database versions not stated): gnomAD exomes below 0.00001.
gnomAD v4.1: 2 of 1,603,354 alleles (0.00012%); highest among the groups gnomAD compares: South Asian, 0.0011%; no homozygotes.

Submissions (3):

Ambry Genetics
Classification: Uncertain significance for Hereditary cancer-predisposing syndrome. Last evaluated: 2024-05-25. Review status: criteria provided, single submitter. Criteria: Ambry Variant Classification Scheme 2023. Collection method: clinical testing. Allele origin: germline.
Comment: The p.S485P variant (also known as c.1453T>C), located in coding exon 16 of the RB1 gene, results from a T to C substitution at nucleotide position 1453. The serine at codon 485 is replaced by proline, an amino acid with similar properties. This amino acid position is conserved. In addition, this alteration is predicted to be deleterious by in silico analysis. Based on the available evidence, the clinical significance of this variant remains unclear.

All of Us Research Program, National Institutes of Health
Classification: Uncertain significance for Retinoblastoma. Last evaluated: 2023-10-23. Review status: criteria provided, single submitter. Criteria: ACMG Guidelines, 2015. Collection method: clinical testing. Allele origin: germline. Inheritance: Autosomal dominant inheritance. Observed: 1 variant allele, 1 heterozygote.
Comment: This missense variant replaces serine with proline at codon 485 of the RB1 protein. Computational prediction suggests that this variant may have deleterious impact on protein structure and function (internally defined REVEL score threshold >= 0.7, PMID: 27666373). To our knowledge, functional studies have not been reported for this variant. This variant has not been reported in individuals affected with RB1-related disorders in the literature. This variant has not been identified in the general population by the Genome Aggregation Database (gnomAD). The available evidence is insufficient to determine the role of this variant in disease conclusively. Therefore, this variant is classified as a Variant of Uncertain Significance.

This study involves interpretation of variants in research participants for the purpose of population health screening. Participant phenotype was not available at the time of variant classification. Additional details can be found in publication PMID: 35346344, PMCID: PMC8962531

Labcorp Genetics (formerly Invitae), Labcorp
Classification: Uncertain significance for Retinoblastoma. Last evaluated: 2019-02-02. Review status: criteria provided, single submitter. Criteria: Invitae Variant Classification Sherloc (09022015). Collection method: clinical testing. Allele origin: germline.
Comment: In summary, the available evidence is currently insufficient to determine the role of this variant in disease. Therefore, it has been classified as a Variant of Uncertain Significance. Algorithms developed to predict the effect of missense changes on protein structure and function (SIFT, PolyPhen-2, Align-GVGD) all suggest that this variant is likely to be disruptive, but these predictions have not been confirmed by published functional studies and their clinical significance is uncertain. This variant has not been reported in the literature in individuals with RB1-related conditions. This variant is not present in population databases (ExAC no frequency). This sequence change replaces serine with proline at codon 485 of the RB1 protein (p.Ser485Pro). The serine residue is highly conserved and there is a moderate physicochemical difference between serine and proline.